The following is an entry in ClinVar:

ClinVar aggregate classification (germline): Uncertain significance (1 of 4 stars; one submission).

Conditions:
PPARG-related disorder. Also called: PPARG-related condition; PPARG-related disorders.

Submission:

3billion
Classification: Uncertain significance for PPARG-related disorder. Last evaluated: 2025-10-08. Review status: criteria provided, single submitter. Criteria: ACMG Guidelines, 2015. Collection method: clinical testing. Allele origin: germline. Affected: yes.
Comment: The variant is not observed in the gnomAD v4.1.0 dataset. Predicted Consequence/Location: Missense variant In silico tool predictions suggest damaging effect of the variant on gene or gene product [REVEL: 0.86 (>=0.6, sensitivity 0.68 and specificity 0.92); 3Cnet: 0.97 (> 0.75, sensitivity 0.96 and precision 0.92)]. Therefore, this variant is classified as VUS according to the recommendation of ACMG/AMP guideline.

NM_138711.6(PPARG):c.1349T>C (p.Leu450Pro)

Gene: PPARG (peroxisome proliferator activated receptor gamma; plus strand). Cytogenetic location: 3p25.2.
Variant type: single nucleotide variant.
Coding change: c.1349T>C on transcript NM_138711.6 (MANE Select); coding-DNA position 1349, T replaced by C.
Protein change: p.Leu450Pro; replaces leucine 450 with proline.
Molecular consequence: missense variant. On other transcripts: 3 prime UTR variant (5).
Genome position (GRCh38, 1-based): chr3:12,434,066, T>C. VCF-style: chr3-12434066-T-C. GRCh37 (hg19) VCF-style: chr3-12475565-T-C.
Other names: c.*151T>C (NM_001330615.4, NM_001374261.3, NM_001374262.3 and 1 more transcripts); c.1349T>C, p.Leu450Pro (NM_001354666.3, NM_001354667.3, NM_001374263.2 and 3 more transcripts); c.722T>C, p.Leu241Pro (NM_001354669.2); c.*135T>C (NM_001374266.1); c.1439T>C, p.Leu480Pro (NM_015869.5); short protein forms L241P, L450P, L480P.
Identifiers: ClinVar variation 4855408 (VCV004855408.1).